The following is an entry in ClinVar:

ClinVar aggregate classification (germline): Uncertain significance (1 of 4 stars; one submission).

Allele frequency attached by ClinVar (database versions not stated): gnomAD 0.00001; gnomAD exomes 0.00001 and 0.00004; ExAC 0.00008.
gnomAD v4.1: 14 of 1,602,702 alleles (0.00087%); highest among the groups gnomAD compares: Admixed American, 0.012%; no homozygotes.

Submission:

Labcorp Genetics (formerly Invitae), Labcorp
Classification: Uncertain significance. Last evaluated: 2025-02-10. Review status: criteria provided, single submitter. Criteria: Invitae Variant Classification Sherloc (09022015). Collection method: clinical testing. Allele origin: germline.
Comment: This sequence change replaces alanine, which is neutral and non-polar, with threonine, which is neutral and polar, at codon 839 of the DOCK6 protein (p.Ala839Thr). This variant is present in population databases (rs780378774, gnomAD 0.02%). This variant has not been reported in the literature in individuals affected with DOCK6-related conditions. ClinVar contains an entry for this variant (Variation ID: 1413837). Invitae Evidence Modeling of protein sequence and biophysical properties (such as structural, functional, and spatial information, amino acid conservation, physicochemical variation, residue mobility, and thermodynamic stability) indicates that this missense variant is expected to disrupt DOCK6 protein function with a positive predictive value of 80%. In summary, the available evidence is currently insufficient to determine the role of this variant in disease. Therefore, it has been classified as a Variant of Uncertain Significance.

NM_020812.4(DOCK6):c.2515G>A (p.Ala839Thr)

Gene: DOCK6 (dedicator of cytokinesis 6; minus strand). Cytogenetic location: 19p13.2.
Variant type: single nucleotide variant.
Coding change: c.2515G>A on transcript NM_020812.4 (MANE Select); coding-DNA position 2515, G replaced by A.
Protein change: p.Ala839Thr; replaces alanine 839 with threonine.
Molecular consequence: missense variant.
Genome position (GRCh38, 1-based): chr19:11,235,637, C>T on the plus strand (G>A on the coding strand, the complement: DOCK6 is on the minus strand). VCF-style: chr19-11235637-C-T. GRCh37 (hg19) VCF-style: chr19-11346313-C-T.
Other names: c.2515G>A, p.Ala839Thr (NM_001367830.1); short protein forms A839T.
Identifiers: ClinVar variation 1413837 (VCV001413837.5), dbSNP rs780378774, ClinGen allele CA9207604.